The following is an entry in ClinVar:

NM_024334.3(TMEM43):c.520G>A (p.Ala174Thr)

Gene: TMEM43 (transmembrane protein 43; plus strand). Cytogenetic location: 3p25.1.
Variant type: single nucleotide variant.
Coding change: c.520G>A on transcript NM_024334.3 (MANE Select); coding-DNA position 520, G replaced by A.
Protein change: p.Ala174Thr; replaces alanine 174 with threonine.
Molecular consequence: missense variant.
Genome position (GRCh38, 1-based): chr3:14,133,746, G>A. VCF-style: chr3-14133746-G-A. GRCh37 (hg19) VCF-style: chr3-14175246-G-A.
Other names: p.A174T:GCA>ACA; short protein forms A174T.
Identifiers: ClinVar variation 46149 (VCV000046149.17), dbSNP rs397517385, ClinGen allele CA024714.
Genomic context (GRCh38, chr3:14,133,746, plus strand): 5'-CCGGGCAGCTCCCACACCGGTGCCCATCTCTGACAGCTTCCTCTCTCCCACAGTGCCATG[G>A]CAGTGGAGTCATTCATGGCAACAGCCCCCTTTGTCCAAATTGGCAGGTTTTTCCTCTCGT-3'
Protein context (NP_077310.1, residues 164-184): EIGHKNPSAM[Ala174Thr]VESFMATAPF

ClinVar aggregate classification (germline): Uncertain significance. Review status: criteria provided, multiple submitters, no conflicts (2 of 4 stars). 7 submissions from 7 submitters: Uncertain significance (7). Last evaluated 2026-04-14.

Conditions:
Cardiomyopathy (CMYO). Also called: Cardiomyopathies. Identifiers: Orphanet 167848, MedGen C0878544, MONDO:0004994, HP:0001638. Inheritance: Various modes of inheritance.
Arrhythmogenic right ventricular dysplasia 5. Also called: Arrhythmogenic Right Ventricular Dysplasia/Cardiomyopathy 5; ARRHYTHMOGENIC RIGHT VENTRICULAR DYSPLASIA, FAMILIAL, 5. Identifiers: MedGen C1858379, MONDO:0011459, OMIM 604400.

Allele frequency attached by ClinVar (database versions not stated): gnomAD exomes below 0.00001; gnomAD 0.00001; TOPMed 0.00001.
gnomAD v4.1: 8 of 1,614,054 alleles (0.0005%); highest among the groups gnomAD compares: Middle Eastern, 0.016%; no homozygotes.

Submissions (7):

Women's Health and Genetics/Laboratory Corporation of America, LabCorp
Classification: Uncertain significance. Last evaluated: 2026-04-14. Review status: criteria provided, single submitter. Criteria: LabCorp Variant Classification Summary - May 2015. Collection method: clinical testing. Allele origin: germline.
Comment: Variant summary: TMEM43 c.520G>A (p.Ala174Thr) results in a non-conservative amino acid change in the encoded protein sequence. Algorithms developed to predict the effect of missense changes on protein structure and function are either unavailable or do not agree on the potential impact of this missense change. The variant allele was found at a frequency of 4e-06 in 251474 control chromosomes. The available data on variant occurrences in the general population are insufficient to allow any conclusion about variant significance. c.520G>A has been observed in individual(s) affected with dilated cardiomyopathy, without strong evidence of causality (example: Pugh_2014, Walsh_2017). These reports do not provide unequivocal conclusions about association of the variant with Arrhythmogenic Right Ventricular Dysplasia/Cardiomyopathy. To our knowledge, no experimental evidence demonstrating an impact on protein function has been reported. The following publications have been ascertained in the context of this evaluation (PMID: 24503780, 27532257). ClinVar contains an entry for this variant (Variation ID: 46149). Based on the evidence outlined above, the variant was classified as uncertain significance.

Color Diagnostics, LLC DBA Color Health
Classification: Uncertain significance for Cardiomyopathy. Last evaluated: 2025-07-10. Review status: criteria provided, single submitter. Criteria: ACMG Guidelines, 2015. Collection method: clinical testing. Allele origin: germline.
Comment: This missense variant replaces alanine with threonine at codon 174 of the TMEM43 protein. Computational prediction suggests that this variant may not impact protein structure and function. To our knowledge, functional studies have not been reported for this variant. This variant has not been reported in an individual affected with dilated cardiomyopathy (PMID: 24503780). This variant has been identified in 1/251474 chromosomes in the general population by the Genome Aggregation Database (gnomAD). The available evidence is insufficient to determine the role of this variant in disease conclusively. Therefore, this variant is classified as a Variant of Uncertain Significance.

All of Us Research Program, National Institutes of Health
Classification: Uncertain significance for Arrhythmogenic right ventricular dysplasia 5. Last evaluated: 2024-01-03. Review status: criteria provided, single submitter. Criteria: ACMG Guidelines, 2015. Collection method: clinical testing. Allele origin: germline. Inheritance: Autosomal dominant inheritance. Observed: 4 variant alleles, 4 heterozygotes.
Comment: This missense variant replaces alanine with threonine at codon 174 of the TMEM43 protein. Computational prediction suggests that this variant may not impact protein structure and function (internally defined REVEL score threshold <= 0.5, PMID: 27666373). To our knowledge, functional studies have not been reported for this variant. This variant has not been reported in individuals affected with TMEM43-related disorders in the literature. This variant has been identified in 1/251474 chromosomes in the general population by the Genome Aggregation Database (gnomAD). The available evidence is insufficient to determine the role of this variant in disease conclusively. Therefore, this variant is classified as a Variant of Uncertain Significance.

This study involves interpretation of variants in research participants for the purpose of population health screening. Participant phenotype was not available at the time of variant classification. Additional details can be found in publication PMID: 35346344, PMCID: PMC8962531

Labcorp Genetics (formerly Invitae), Labcorp
Classification: Uncertain significance for Arrhythmogenic right ventricular dysplasia 5. Last evaluated: 2022-06-07. Review status: criteria provided, single submitter. Criteria: Invitae Variant Classification Sherloc (09022015). Collection method: clinical testing. Allele origin: germline.
Comment: ClinVar contains an entry for this variant (Variation ID: 46149). This sequence change replaces alanine, which is neutral and non-polar, with threonine, which is neutral and polar, at codon 174 of the TMEM43 protein (p.Ala174Thr). This variant is present in population databases (rs397517385, gnomAD 0.0009%). This missense change has been observed in individual(s) with dilated cardiomyopathy (PMID: 27532257). Algorithms developed to predict the effect of missense changes on protein structure and function are either unavailable or do not agree on the potential impact of this missense change (SIFT: "Tolerated"; PolyPhen-2: "Possibly Damaging"; Align-GVGD: "Class C0"). In summary, the available evidence is currently insufficient to determine the role of this variant in disease. Therefore, it has been classified as a Variant of Uncertain Significance.

Blueprint Genetics
Classification: Uncertain significance. Last evaluated: 2019-09-05. Review status: criteria provided, single submitter. Criteria: ACMG Guidelines, 2015. Collection method: clinical testing. Allele origin: germline.

GeneDx
Classification: Uncertain significance. Last evaluated: 2014-09-09. Review status: criteria provided, single submitter. Criteria: GeneDx Variant Classification (06012015). Collection method: clinical testing. Allele origin: germline. Affected: yes.
Comment: p.Ala174Thr (GCA>ACA): c.520 G>A in exon 7 of the TMEM43 gene (NM_024334.2). Although rare, mutations in the TMEM43 gene have been reported in association with ARVC (McNally E et al., 2009). A variant of unknown significance has been identified in the TMEM43 gene. The A174T variant has not been published as a mutation, nor has it been reported as a benign polymorphism to our knowledge. The A174T variant was not observed in approximately 6,500 individuals of European and African American ancestry in the NHLBI Exome Sequencing Project, indicating it is not a common benign variant in these populations. The A174T variant is a non-conservative amino acid substitution, which is likely to impact secondary protein structure as these residues differ in polarity, charge, size and/or other properties. Additionally, this substitution occurs at a position that is conserved among mammals. However, in silico analysis is inconsistent in its predictions as to whether or not the variant is damaging to the protein structure/function. Furthermore, missense mutations in nearby residues have not been reported, indicating this region of the protein may be tolerant of change. Therefore, based on the currently available information, it is unclear whether this variant is a pathogenic mutation or a rare benign variant. The variant is found in CARDIOMYOPATHY panel(s).

Laboratory for Molecular Medicine, Mass General Brigham Personalized Medicine
Classification: Uncertain significance. Last evaluated: 2012-05-01. Review status: criteria provided, single submitter. Criteria: LMM Criteria. Collection method: clinical testing. Allele origin: germline. Observed: 1 variant allele.
Comment: The Ala174Thr variant (TMEM43) has not been reported in the literature nor previ ously identified by our laboratory. It was absent from >3,000 European American individuals sequenced by the NHLBI exome sequencing project. This low frequency is consistent with a disease causing role but insufficient to establish this with confidence. The amino acid alanine (Ala) at this position is highly conserved in evolutionarily distant species but additio nal computational analyses (biochemical amino acid properties, AlignGVGD, PolyPh en2, and SIFT) do not provide strong support for or against an impact to the pro tein of this change. In summary, additional information is needed to fully asses s the clinical significance of the Ala174Thr variant.

Literature cited by the submitters: PubMed 24503780 (cited by Women's Health and Genetics/Laboratory Corporation of America, LabCorp and Color Diagnostics, LLC DBA Color Health); PubMed 27532257 (cited by Women's Health and Genetics/Laboratory Corporation of America, LabCorp and Labcorp Genetics (formerly Invitae), Labcorp).